The following is an entry in ClinVar:

ClinVar aggregate classification (germline): Likely benign. Review status: criteria provided, single submitter (1 of 4 stars). 2 submissions from 2 submitters: Likely benign (1). 1 of the submissions does not count toward it. Last evaluated 2025-06-12.

Conditions:
DZIP1L-related disorder. Also called: DZIP1L-related condition.

Allele frequency attached by ClinVar (database versions not stated): gnomAD exomes 0.00001; ExAC 0.00002; gnomAD 0.00002; TOPMed 0.00006; ESP Exome Variant Server 0.00015.
gnomAD v4.1: 7 of 1,614,092 alleles (0.00043%); highest among the groups gnomAD compares: African/African-American, 0.008%; no homozygotes.

Submissions (2):

Labcorp Genetics (formerly Invitae), Labcorp
Classification: Likely benign. Last evaluated: 2025-06-12. Review status: criteria provided, single submitter. Criteria: Invitae Variant Classification Sherloc (09022015). Collection method: clinical testing. Allele origin: germline.

PreventionGenetics, part of Exact Sciences
Classification: Likely benign for DZIP1L-related condition. Last evaluated: 2023-01-07. Review status: no assertion criteria provided. Collection method: clinical testing. Allele origin: germline. Not counted in ClinVar's aggregate classification.
Comment: This variant is classified as likely benign based on ACMG/AMP sequence variant interpretation guidelines (Richards et al. 2015 PMID: 25741868, with internal and published modifications).

NM_173543.3(DZIP1L):c.2214G>A (p.Glu738=)

Gene: DZIP1L (DAZ interacting zinc finger protein 1 like; minus strand). Cytogenetic location: 3q22.3.
Variant type: single nucleotide variant.
Coding change: c.2214G>A on transcript NM_173543.3 (MANE Select); coding-DNA position 2214, G replaced by A.
Protein change: p.Glu738=; no amino-acid change (glutamic acid 738 retained).
Molecular consequence: synonymous variant.
Genome position (GRCh38, 1-based): chr3:138,062,906, C>T on the plus strand (G>A on the coding strand, the complement: DZIP1L is on the minus strand). VCF-style: chr3-138062906-C-T. GRCh37 (hg19) VCF-style: chr3-137781748-C-T.
Other names: c.2214G>A (NM_173543.2).
Identifiers: ClinVar variation 1927382 (VCV001927382.7), dbSNP rs139991345, ClinGen allele CA2634610.